The following is an entry in ClinVar:

ClinVar aggregate classification (germline): Uncertain significance (1 of 4 stars; one submission).

Allele frequency attached by ClinVar (database versions not stated): gnomAD exomes below 0.00001.
gnomAD v4.1: 1 of 1,558,678 alleles (0.000064%); highest among the groups gnomAD compares: South Asian, 0.0012%; no homozygotes.

Submission:

Labcorp Genetics (formerly Invitae), Labcorp
Classification: Uncertain significance. Last evaluated: 2024-02-24. Review status: criteria provided, single submitter. Criteria: Invitae Variant Classification Sherloc (09022015). Collection method: clinical testing. Allele origin: germline.
Comment: This sequence change replaces arginine, which is basic and polar, with glutamine, which is neutral and polar, at codon 113 of the RELB protein (p.Arg113Gln). This variant is not present in population databases (gnomAD no frequency). This variant has not been reported in the literature in individuals affected with RELB-related conditions. ClinVar contains an entry for this variant (Variation ID: 2125951). An algorithm developed to predict the effect of missense changes on protein structure and function (PolyPhen-2) suggests that this variant is likely to be tolerated. In summary, the available evidence is currently insufficient to determine the role of this variant in disease. Therefore, it has been classified as a Variant of Uncertain Significance.

NM_006509.4(RELB):c.338G>A (p.Arg113Gln)

Gene: RELB (RELB proto-oncogene, NF-kB subunit; plus strand). Cytogenetic location: 19q13.32.
Variant type: single nucleotide variant.
Coding change: c.338G>A on transcript NM_006509.4 (MANE Select); coding-DNA position 338, G replaced by A.
Protein change: p.Arg113Gln; replaces arginine 113 with glutamine.
Molecular consequence: missense variant.
Genome position (GRCh38, 1-based): chr19:45,012,110, G>A. VCF-style: chr19-45012110-G-A. GRCh37 (hg19) VCF-style: chr19-45515368-G-A.
Other names: c.329G>A, p.Arg110Gln (NM_001411087.1); short protein forms R113Q, R110Q.
Identifiers: ClinVar variation 2125951 (VCV002125951.4), dbSNP rs2513638322, ClinGen allele CA406322147.